The following is an entry in ClinVar:

NM_000394.4(CRYAA):c.*507C>G

Gene: CRYAA (crystallin alpha A; plus strand). Cytogenetic location: 21q22.3.
Variant type: single nucleotide variant.
Coding change: c.*507C>G on transcript NM_000394.4 (MANE Select); 507 bases downstream of the stop codon, C replaced by G.
Molecular consequence: 3 prime UTR variant.
Genome position (GRCh38, 1-based): chr21:43,172,787, C>G. VCF-style: chr21-43172787-C-G. GRCh37 (hg19) VCF-style: chr21-44592897-C-G.
Other names: c.*507C>G (NM_001363766.1).
Identifiers: ClinVar variation 340113 (VCV000340113.6), dbSNP rs79614970, ClinGen allele CA10650577.
Genomic context (GRCh38, chr21:43,172,787, plus strand): 5'-TAGTGCCGCTCTTGGGGACATGGGTCGCCCATGAGAGCGCAGCCCGCGGCAATCAATAAA[C>G]AGCAGGTGATACAAGCAACCCGCCGTCTGCTGGTGCTGTCTCCATCAGGGGCGCGAGGGG-3'

ClinVar aggregate classification (germline): Benign. Review status: criteria provided, multiple submitters, no conflicts (2 of 4 stars). 2 submissions from 2 submitters: Benign (2). Last evaluated 2018-01-13.

Conditions:
Cataract 9 multiple types. Also called: Cataract 9, multiple types, with or without microcornea; Cataract, autosomal recessive congenital 1. Identifiers: Orphanet 1377, MedGen C1858679, MONDO:0011413, OMIM 604219.

Allele frequency attached by ClinVar (database versions not stated): 1000 Genomes Project 30x 0.00468; gnomAD 0.09429; TOPMed 0.09868; 1000 Genomes Project 0.13159.

Submissions (2):

Illumina Laboratory Services, Illumina
Classification: Benign for Cataract 9 multiple types. Last evaluated: 2018-01-13. Review status: criteria provided, single submitter. Criteria: ICSL Variant Classification Criteria 13 December 2019. Collection method: clinical testing. Allele origin: germline.
Comment: This variant was observed in the ICSL laboratory as part of a predisposition screen in an ostensibly healthy population. It had not been previously curated by ICSL or reported in the Human Gene Mutation Database (HGMD: prior to June 1st, 2018), and was therefore a candidate for classification through an automated scoring system. Utilizing variant allele frequency, disease prevalence and penetrance estimates, and inheritance mode, an automated score was calculated to assess if this variant is too frequent to cause the disease. Based on the score and internal cut-off values, a variant classified as benign is not then subjected to further curation. The score for this variant resulted in a classification of benign for this disease.

Breakthrough Genomics
Classification: Benign. Review status: criteria provided, single submitter. Criteria: ACMG Guidelines, 2015. Collection method: not provided. Allele origin: germline. Inheritance: Autosomal dominant inheritance. Affected: yes.